The following is an entry in ClinVar:

ClinVar aggregate classification (germline): Uncertain significance. Review status: criteria provided, multiple submitters, no conflicts (2 of 4 stars). 3 submissions from 3 submitters: Uncertain significance (3). Last evaluated 2024-09-24.

Conditions:
Inborn genetic diseases. Identifiers: MedGen C0950123, MeSH D030342.

Allele frequency attached by ClinVar (database versions not stated): gnomAD 0.00001; TOPMed 0.00001; gnomAD exomes 0.00003.

Submissions (3):

Ambry Genetics
Classification: Uncertain significance for Inborn genetic diseases. Last evaluated: 2024-09-24. Review status: criteria provided, single submitter. Criteria: Ambry Variant Classification Scheme 2023. Collection method: clinical testing. Allele origin: germline.

ARUP Laboratories, Molecular Genetics and Genomics, ARUP Laboratories
Classification: Uncertain significance. Last evaluated: 2024-08-26. Review status: criteria provided, single submitter. Criteria: ARUP Molecular Germline Variant Investigation Process 2024. Collection method: clinical testing. Allele origin: germline.
Comment: The PIEZO1 c.3322T>G; p.Cys1108Gly variant (rs915035887), to our knowledge, is not reported in the medical literature but is reported in ClinVar (Variation ID: 2683397). This variant is also absent from the Genome Aggregation Database (v2.1.1), indicating it is not a common polymorphism. Computational analyses are uncertain whether this variant is neutral or deleterious (REVEL: 0.364). Due to limited information, the clinical significance of this variant is uncertain at this time.

Mayo Clinic Laboratories, Mayo Clinic
Classification: Uncertain significance. Last evaluated: 2023-02-21. Review status: criteria provided, single submitter. Criteria: ACMG Guidelines, 2015. Collection method: clinical testing. Allele origin: germline. Observed: 1 variant allele.
Comment: PM2

NM_001142864.4(PIEZO1):c.3322T>G (p.Cys1108Gly)

Gene: PIEZO1 (piezo type mechanosensitive ion channel component 1 (Er blood group); minus strand). Cytogenetic location: 16q24.3.
Variant type: single nucleotide variant.
Coding change: c.3322T>G on transcript NM_001142864.4 (MANE Select); coding-DNA position 3322, T replaced by G.
Protein change: p.Cys1108Gly; replaces cysteine 1108 with glycine.
Molecular consequence: missense variant.
Genome position (GRCh38, 1-based): chr16:88,727,172, A>C on the plus strand (T>G on the coding strand, the complement: PIEZO1 is on the minus strand). VCF-style: chr16-88727172-A-C. GRCh37 (hg19) VCF-style: chr16-88793580-A-C.
Other names: p.Cys1108Gly; c.1864T>G, p.Cys622Gly (NM_014745.1); short protein forms C1108G, C622G.
Identifiers: ClinVar variation 2683397 (VCV002683397.3), dbSNP rs915035887, ClinGen allele CA286414017.
Genomic context (GRCh38, chr16:88,727,172, plus strand): 5'-CCATGCGCTGCCACTCCTCTGTGCGCTCAGCTGAGAACACCTGCCACTGCTGGGAGGCGC[A>C]CAGCAGCAGGAGAAAGTCGCCTGCAGGACACAGGAGCCGCCGCTGTGCCACACGGGGACC-3'
Protein context (NP_001136336.2, residues 1098-1118): NLISDFLLLL[Cys1108Gly]ASQQWQVFSA